The following is an entry in ClinVar:

ClinVar aggregate classification (germline): Uncertain significance (1 of 4 stars; one submission).

Submission:

GeneDx
Classification: Uncertain significance. Last evaluated: 2019-10-22. Review status: criteria provided, single submitter. Criteria: GeneDx Variant Classification Process June 2021. Collection method: clinical testing. Allele origin: germline. Affected: yes.
Comment: Not observed in large population cohorts (Lek et al., 2016); Normal stop codon changed to a glutamine codon, leading to the addition of 14 amino acids at the C-terminus; Has not been previously published as pathogenic or benign to our knowledge

NM_000474.4(TWIST1):c.607T>C (p.Ter203Gln)

Genes: TWIST1 (twist family bHLH transcription factor 1; minus strand), LOC129998021 (ATAC-STARR-seq lymphoblastoid active region 25682; plus strand). Cytogenetic location: 7p21.1.
Variant type: single nucleotide variant.
Coding change: c.607T>C on transcript NM_000474.4 (MANE Select); coding-DNA position 607, T replaced by C.
Protein change: p.Ter203Gln.
Molecular consequence: stop lost. On other transcripts: non-coding transcript variant (1).
Genome position (GRCh38, 1-based): chr7:19,116,715, A>G on the plus strand (T>C on the coding strand, the complement: TWIST1 is on the minus strand). VCF-style: chr7-19116715-A-G. GRCh37 (hg19) VCF-style: chr7-19156338-A-G.
Identifiers: ClinVar variation 1202165 (VCV001202165.3), dbSNP rs2115396378, ClinGen allele CA367015060.